The following is an entry in ClinVar:

NM_138383.3(MTSS2):c.899C>T (p.Ser300Leu)

Gene: MTSS2 (MTSS I-BAR domain containing 2; minus strand). Cytogenetic location: 16q22.1.
Variant type: single nucleotide variant.
Coding change: c.899C>T on transcript NM_138383.3 (MANE Select); coding-DNA position 899, C replaced by T.
Protein change: p.Ser300Leu; replaces serine 300 with leucine.
Molecular consequence: missense variant.
Genome position (GRCh38, 1-based): chr16:70,674,460, G>A on the plus strand (C>T on the coding strand, the complement: MTSS2 is on the minus strand). VCF-style: chr16-70674460-G-A. GRCh37 (hg19) VCF-style: chr16-70708363-G-A.
Other names: short protein forms S300L.
Identifiers: ClinVar variation 4975771 (VCV004975771.1).

ClinVar aggregate classification (germline): Uncertain significance (1 of 4 stars; one submission).

Submission:

GeneDx
Classification: Uncertain significance. Last evaluated: 2026-01-29. Review status: criteria provided, single submitter. Criteria: GeneDx Variant Classification Process June 2021. Collection method: clinical testing. Allele origin: germline.
Comment: Not observed at significant frequency in large population cohorts (gnomAD); In silico analysis supports that this missense variant has a deleterious effect on protein structure/function; Has not been previously published as pathogenic or benign to our knowledge